The following is an entry in ClinVar:

ClinVar aggregate classification (germline): Uncertain significance. Review status: criteria provided, multiple submitters, no conflicts (2 of 4 stars). 2 submissions from 2 submitters: Uncertain significance (2). Last evaluated 2025-08-11.

Allele frequency attached by ClinVar (database versions not stated): TOPMed 0.00002; gnomAD 0.00003; ExAC 0.00004; gnomAD exomes 0.00005.
gnomAD v4.1: 73 of 1,614,092 alleles (0.0045%); highest among the groups gnomAD compares: Non-Finnish European, 0.0059%; no homozygotes.

Submissions (2):

Ambry Genetics
Classification: Uncertain significance. Last evaluated: 2025-08-11. Review status: criteria provided, single submitter. Criteria: Ambry Variant Classification Scheme 2023. Collection method: clinical testing. Allele origin: germline.

Labcorp Genetics (formerly Invitae), Labcorp
Classification: Uncertain significance. Last evaluated: 2022-02-19. Review status: criteria provided, single submitter. Criteria: Invitae Variant Classification Sherloc (09022015). Collection method: clinical testing. Allele origin: germline.
Comment: This variant is present in population databases (rs747465372, gnomAD 0.02%). This sequence change replaces cysteine, which is neutral and slightly polar, with tyrosine, which is neutral and polar, at codon 169 of the ROM1 protein (p.Cys169Tyr). This variant has not been reported in the literature in individuals affected with ROM1-related conditions. In summary, the available evidence is currently insufficient to determine the role of this variant in disease. Therefore, it has been classified as a Variant of Uncertain Significance. Algorithms developed to predict the effect of missense changes on protein structure and function are either unavailable or do not agree on the potential impact of this missense change (SIFT: "Deleterious"; PolyPhen-2: "Benign"; Align-GVGD: "Class C65").

NM_000327.4(ROM1):c.506G>A (p.Cys169Tyr)

Gene: ROM1 (retinal outer segment membrane protein 1; plus strand). Cytogenetic location: 11q12.3.
Variant type: single nucleotide variant.
Coding change: c.506G>A on transcript NM_000327.4 (MANE Select); coding-DNA position 506, G replaced by A.
Protein change: p.Cys169Tyr; replaces cysteine 169 with tyrosine.
Molecular consequence: missense variant.
Genome position (GRCh38, 1-based): chr11:62,613,787, G>A. VCF-style: chr11-62613787-G-A. GRCh37 (hg19) VCF-style: chr11-62381259-G-A.
Other names: c.506G>A (NM_000327.3); short protein forms C169Y.
Identifiers: ClinVar variation 2419198 (VCV002419198.6), dbSNP rs747465372, ClinGen allele CA6049746.